The following is an entry in ClinVar:

ClinVar aggregate classification (germline): Likely benign. Review status: criteria provided, multiple submitters, no conflicts (2 of 4 stars). 5 submissions from 5 submitters: Likely benign (5). Last evaluated 2026-01-26.

Conditions:
DNMT1-related disorder. Also called: DNMT1-related condition. Identifiers: MedGen CN381527.
Hereditary sensory neuropathy-deafness-dementia syndrome. Also called: HSN IE; Hereditary sensory neuropathy type IE; Hereditary Sensory and Autonomic Neuropathy Type 1E (HSAN1E); NEUROPATHY, HEREDITARY SENSORY, WITH HEARING LOSS AND DEMENTIA. Identifiers: Orphanet 456318, MedGen C3279885, MONDO:0013584, OMIM 614116.

Allele frequency attached by ClinVar (database versions not stated): gnomAD exomes 0.00006 and 0.00012; ExAC 0.00009; ESP Exome Variant Server 0.00015; gnomAD 0.00015 and 0.00016; 1000 Genomes Project 30x 0.00016; TOPMed 0.00017; 1000 Genomes Project 0.00020.
gnomAD v4.1: 123 of 1,613,938 alleles (0.0076%); highest among the groups gnomAD compares: African/African-American, 0.036%; no homozygotes.

Submissions (5):

Labcorp Genetics (formerly Invitae), Labcorp
Classification: Likely benign for Hereditary sensory neuropathy-deafness-dementia syndrome. Last evaluated: 2026-01-26. Review status: criteria provided, single submitter. Criteria: Invitae Variant Classification Sherloc (09022015). Collection method: clinical testing. Allele origin: germline.

PreventionGenetics, part of Exact Sciences
Classification: Likely benign for DNMT1-related condition. Last evaluated: 2025-06-17. Review status: criteria provided, single submitter. Criteria: ACMG Guidelines, 2015. Collection method: clinical testing. Allele origin: germline.
Comment: This variant is classified as likely benign based on ACMG/AMP sequence variant interpretation guidelines (Richards et al. 2015 PMID: 25741868, with internal and published modifications).

CeGaT Center for Human Genetics Tuebingen
Classification: Likely benign. Last evaluated: 2025-03-01. Review status: criteria provided, single submitter. Criteria: CeGaT Center For Human Genetics Tuebingen Variant Classification Criteria Version 2. Collection method: clinical testing. Allele origin: germline. Affected: yes. Observed: 2 variant alleles.
Comment: DNMT1: BP4, BP7

Blueprint Genetics
Classification: Likely benign. Last evaluated: 2022-09-15. Review status: criteria provided, single submitter. Criteria: ACMG Guidelines, 2015. Collection method: clinical testing. Allele origin: germline.

GeneDx
Classification: Likely benign. Last evaluated: 2021-09-20. Review status: criteria provided, single submitter. Criteria: GeneDx Variant Classification Process June 2021. Collection method: clinical testing. Allele origin: germline. Affected: yes.

NM_001130823.3(DNMT1):c.2475G>A (p.Ser825=)

Gene: DNMT1 (DNA methyltransferase 1; minus strand). Cytogenetic location: 19p13.2.
Variant type: single nucleotide variant.
Coding change: c.2475G>A on transcript NM_001130823.3 (MANE Select); coding-DNA position 2475, G replaced by A.
Protein change: p.Ser825=; no amino-acid change (serine 825 retained).
Molecular consequence: synonymous variant.
Genome position (GRCh38, 1-based): chr19:10,149,564, C>T on the plus strand (G>A on the coding strand, the complement: DNMT1 is on the minus strand). VCF-style: chr19-10149564-C-T. GRCh37 (hg19) VCF-style: chr19-10260240-C-T.
Other names: c.2475G>A (NM_001130823.2, LRG_362t1); c.2427G>A, p.Ser809= (NM_001318730.2, NM_001379.4); c.2112G>A, p.Ser704= (NM_001318731.2).
Identifiers: ClinVar variation 539620 (VCV000539620.47), dbSNP rs368834599, ClinGen allele CA9188035.